The following is an entry in ClinVar:

NM_001256789.3(CACNA1F):c.2967C>T (p.Ile989=)

Gene: CACNA1F (calcium voltage-gated channel subunit alpha1 F; minus strand). Cytogenetic location: Xp11.23.
Variant type: single nucleotide variant.
Coding change: c.2967C>T on transcript NM_001256789.3 (MANE Select); coding-DNA position 2967, C replaced by T.
Protein change: p.Ile989=; no amino-acid change (isoleucine 989 retained).
Molecular consequence: synonymous variant.
Genome position (GRCh38, 1-based): chrX:49,217,967, G>A on the plus strand (C>T on the coding strand, the complement: CACNA1F is on the minus strand). VCF-style: chrX-49217967-G-A. GRCh37 (hg19) VCF-style: chrX-49074426-G-A.
Other names: c.2805C>T, p.Ile935= (NM_001256790.3); c.3000C>T, p.Ile1000= (NM_005183.4); c.3000C>T (NM_005183.3).
Identifiers: ClinVar variation 1638427 (VCV001638427.10), dbSNP rs782088470, ClinGen allele CA10410565.
Genomic context (GRCh38, chrX:49,217,967, plus strand): 5'-CTGCACCCCGATGCAGGCGAACATAAATTGCAGAAGTGTGGTGACAATCATGATGTTTCC[G>A]ATGGTCCGGATGGCCACAAATACACACTGCACCACATGCTGCGGGCACCCAAGCATATGG-3'
Protein context (NP_001243718.1, residues 979-999): VQCVFVAIRT[Ile989=]GNIMIVTTLL

ClinVar aggregate classification (germline): Likely benign. Review status: criteria provided, multiple submitters, no conflicts (2 of 4 stars). 3 submissions from 3 submitters: Likely benign (3). Last evaluated 2025-11-26.

Conditions:
CACNA1F-related disorder. Also called: CACNA1F-related condition.

Allele frequency attached by ClinVar (database versions not stated): gnomAD 0.00004; TOPMed 0.00006; ExAC 0.00007.
gnomAD v4.1: 33 of 1,208,237 alleles (0.0027%); highest among the groups gnomAD compares: Middle Eastern, 0.069%; no homozygotes.

Submissions (3):

PreventionGenetics, part of Exact Sciences
Classification: Likely benign for CACNA1F-related condition. Last evaluated: 2025-11-26. Review status: criteria provided, single submitter. Criteria: ACMG Guidelines, 2015. Collection method: clinical testing. Allele origin: germline.
Comment: This variant is classified as likely benign based on ACMG/AMP sequence variant interpretation guidelines (Richards et al. 2015 PMID: 25741868, with internal and published modifications).

Labcorp Genetics (formerly Invitae), Labcorp
Classification: Likely benign. Last evaluated: 2025-10-06. Review status: criteria provided, single submitter. Criteria: Invitae Variant Classification Sherloc (09022015). Collection method: clinical testing. Allele origin: germline.

Blueprint Genetics
Classification: Likely benign. Last evaluated: 2024-04-08. Review status: criteria provided, single submitter. Criteria: ACMG Guidelines, 2015. Collection method: clinical testing. Allele origin: germline.